The following is an entry in ClinVar:

ClinVar aggregate classification (germline): Benign/Likely benign. Review status: criteria provided, multiple submitters, no conflicts (2 of 4 stars). 4 submissions from 4 submitters: Benign (2); Likely benign (2). Last evaluated 2025-12-25.

Conditions:
Emery-Dreifuss muscular dystrophy 5, autosomal dominant (EDMD5). Also called: EMERY-DREIFUSS MUSCULAR DYSTROPHY 5. Identifiers: Orphanet 261, MedGen C2751805, MONDO:0013072, OMIM 612999.

Allele frequency attached by ClinVar (database versions not stated): gnomAD exomes 0.00019 and 0.00048; ExAC 0.00049; 1000 Genomes Project 0.00120; 1000 Genomes Project 30x 0.00125; gnomAD 0.00202 and 0.00217; ESP Exome Variant Server 0.00206; TOPMed 0.00241.
gnomAD v4.1: 607 of 1,614,226 alleles (0.038%); highest among the groups gnomAD compares: African/African-American, 0.69%; 2 homozygotes.

Submissions (4):

Labcorp Genetics (formerly Invitae), Labcorp
Classification: Likely benign for Emery-Dreifuss muscular dystrophy 5, autosomal dominant. Last evaluated: 2025-12-25. Review status: criteria provided, single submitter. Criteria: Invitae Variant Classification Sherloc (09022015). Collection method: clinical testing. Allele origin: germline.

CeGaT Center for Human Genetics Tuebingen
Classification: Likely benign. Last evaluated: 2025-06-01. Review status: criteria provided, single submitter. Criteria: CeGaT Center For Human Genetics Tuebingen Variant Classification Criteria Version 2. Collection method: clinical testing. Allele origin: germline. Affected: yes. Observed: 1 variant allele.
Comment: SYNE2: BP4

Athena Diagnostics
Classification: Benign. Last evaluated: 2019-03-25. Review status: criteria provided, single submitter. Criteria: Athena Diagnostics Criteria. Collection method: clinical testing. Allele origin: germline.

Illumina Laboratory Services, Illumina
Classification: Benign for Emery-Dreifuss muscular dystrophy 5, autosomal dominant. Last evaluated: 2018-01-13. Review status: criteria provided, single submitter. Criteria: ICSL Variant Classification Criteria 13 December 2019. Collection method: clinical testing. Allele origin: germline.
Comment: This variant was observed in the ICSL laboratory as part of a predisposition screen in an ostensibly healthy population. It had not been previously curated by ICSL or reported in the Human Gene Mutation Database (HGMD: prior to June 1st, 2018), and was therefore a candidate for classification through an automated scoring system. Utilizing variant allele frequency, disease prevalence and penetrance estimates, and inheritance mode, an automated score was calculated to assess if this variant is too frequent to cause the disease. Based on the score and internal cut-off values, a variant classified as benign is not then subjected to further curation. The score for this variant resulted in a classification of benign for this disease.

NM_182914.3(SYNE2):c.7872A>C (p.Glu2624Asp)

Gene: SYNE2 (spectrin repeat containing nuclear envelope protein 2; plus strand). Cytogenetic location: 14q23.2.
Variant type: single nucleotide variant.
Coding change: c.7872A>C on transcript NM_182914.3 (MANE Select); coding-DNA position 7872, A replaced by C.
Protein change: p.Glu2624Asp; replaces glutamic acid 2624 with aspartic acid.
Molecular consequence: missense variant.
Genome position (GRCh38, 1-based): chr14:64,051,785, A>C. VCF-style: chr14-64051785-A-C. GRCh37 (hg19) VCF-style: chr14-64518503-A-C.
Other names: c.7872A>C, p.Glu2624Asp (NM_015180.6); short protein forms E2624D.
Identifiers: ClinVar variation 313534 (VCV000313534.26), dbSNP rs140325055, ClinGen allele CA7221031.